The following is an entry in ClinVar:

ClinVar aggregate classification (germline): Uncertain significance. Review status: criteria provided, multiple submitters, no conflicts (2 of 4 stars). 2 submissions from 2 submitters: Uncertain significance (2). Last evaluated 2020-02-18.

Conditions:
Hereditary sensory and autonomic neuropathy type 6. Also called: HSAN VI; Neuropathy, hereditary sensory and autonomic, type VI. Identifiers: Orphanet 314381, MedGen C3539003, MONDO:0013839, OMIM 614653.
Epidermolysis bullosa simplex 3, localized or generalized intermediate, with BP230 deficiency (EBS3). Also called: Epidermolysis bullosa simplex, autosomal recessive 2; Epidermolysis bullosa simplex due to BP230 deficiency. Identifiers: Orphanet 412181, MedGen C3809470, MONDO:0014180, OMIM 615425.

Allele frequency attached by ClinVar (database versions not stated): gnomAD 0.00001.
gnomAD v4.1: 1 of 1,613,346 alleles (0.000062%); highest among the groups gnomAD compares: Admixed American, 0.0017%; no homozygotes.

Submissions (2):

Mayo Clinic Laboratories, Mayo Clinic
Classification: Uncertain significance. Last evaluated: 2020-02-18. Review status: criteria provided, single submitter. Criteria: ACMG Guidelines, 2015. Collection method: clinical testing. Allele origin: germline. Observed: 1 variant allele.

Labcorp Genetics (formerly Invitae), Labcorp
Classification: Uncertain significance for Epidermolysis bullosa simplex 3, localized or generalized intermediate, with BP230 deficiency; Hereditary sensory and autonomic neuropathy type 6. Last evaluated: 2017-07-31. Review status: criteria provided, single submitter. Criteria: Invitae Variant Classification Sherloc (09022015). Collection method: clinical testing. Allele origin: germline.
Comment: Algorithms developed to predict the effect of missense changes on protein structure and function (SIFT, PolyPhen-2, Align-GVGD) all suggest that this variant is likely to be disruptive, but these predictions have not been confirmed by published functional studies and their clinical significance is uncertain. In summary, the available evidence is currently insufficient to determine the role of this variant in disease. Therefore, it has been classified as a Variant of Uncertain Significance. This variant has not been reported in the literature in individuals with DST-related disease. This variant is not present in population databases (ExAC no frequency). This sequence change replaces histidine with tyrosine at codon 904 of the DST protein (p.His904Tyr). The histidine residue is highly conserved and there is a moderate physicochemical difference between histidine and tyrosine.

NM_001374736.1(DST):c.4321C>T (p.His1441Tyr)

Gene: DST (dystonin; minus strand). Cytogenetic location: 6p12.1.
Variant type: single nucleotide variant.
Coding change: c.4321C>T on transcript NM_001374736.1 (MANE Select); coding-DNA position 4321, C replaced by T.
Protein change: p.His1441Tyr; replaces histidine 1441 with tyrosine.
Molecular consequence: missense variant.
Genome position (GRCh38, 1-based): chr6:56,629,404, G>A on the plus strand (C>T on the coding strand, the complement: DST is on the minus strand). VCF-style: chr6-56629404-G-A. GRCh37 (hg19) VCF-style: chr6-56494202-G-A.
Other names: c.4222C>T, p.His1408Tyr (NM_001144769.5); c.3808C>T, p.His1270Tyr (NM_001144770.2); c.4321C>T, p.His1441Tyr (NM_001374722.1); c.3688C>T, p.His1230Tyr (NM_001374729.1, NM_001374730.1, NM_001386100.1 and 1 more transcripts); c.4348C>T, p.His1450Tyr (NM_001374734.1); c.2710C>T, p.His904Tyr (NM_001723.7, NM_015548.5); short protein forms H904Y, H1408Y, H1230Y, H1270Y, H1441Y, H1450Y.
Identifiers: ClinVar variation 474515 (VCV000474515.13), dbSNP rs868279643, ClinGen allele CA139215034.